The following is an entry in ClinVar:

ClinVar aggregate classification (germline): Benign/Likely benign. Review status: criteria provided, multiple submitters, no conflicts (2 of 4 stars). 4 submissions from 4 submitters: Benign (1); Likely benign (3). Last evaluated 2024-04-03.

Conditions:
Hereditary cancer-predisposing syndrome. Also called: Hereditary Cancer Syndrome; Hereditary neoplastic syndrome; Neoplastic Syndromes, Hereditary; Tumor predisposition. Identifiers: Orphanet 140162, MedGen C0027672, MeSH D009386, MONDO:0015356.
Classic or attenuated familial adenomatous polyposis. Identifiers: MedGen CN372698, MONDO:0021057.
Familial adenomatous polyposis 1 (FAP1). Also called: FAMILIAL ADENOMATOUS POLYPOSIS 1, ATTENUATED; POLYPOSIS, ADENOMATOUS INTESTINAL. Identifiers: MedGen C2713442, MONDO:0021056, OMIM 175100. Disease mechanism: loss of function.

Submissions (4):

Myriad Genetics, Inc.
Classification: Benign for Familial adenomatous polyposis 1. Last evaluated: 2024-04-03. Review status: criteria provided, single submitter. Criteria: Myriad Autosomal Dominant, Autosomal Recessive and X-Linked Classification Criteria (2023). Collection method: clinical testing. Allele origin: unknown.
Comment: This variant is considered benign. This variant is a silent/synonymous amino acid change and it is not expected to impact splicing.

All of Us Research Program, National Institutes of Health
Classification: Likely benign for Classic or attenuated familial adenomatous polyposis. Last evaluated: 2023-05-16. Review status: criteria provided, single submitter. Criteria: ACMG Guidelines, 2015. Collection method: clinical testing. Allele origin: germline. Inheritance: Autosomal dominant inheritance. Observed: 1 variant allele, 1 heterozygote.
Comment: This study involves interpretation of variants in research participants for the purpose of population health screening. Participant phenotype was not available at the time of variant classification. Additional details can be found in publication PMID: 35346344, PMCID: PMC8962531

Color Diagnostics, LLC DBA Color Health
Classification: Likely benign for Hereditary cancer-predisposing syndrome. Last evaluated: 2023-04-25. Review status: criteria provided, single submitter. Criteria: ACMG Guidelines, 2015. Collection method: clinical testing. Allele origin: germline.

Ambry Genetics
Classification: Likely benign for Hereditary cancer-predisposing syndrome. Last evaluated: 2020-06-25. Review status: criteria provided, single submitter. Criteria: Ambry Variant Classification Scheme 2023. Collection method: clinical testing. Allele origin: germline.

NM_000038.6(APC):c.6114G>A (p.Leu2038=)

Gene: APC (APC regulator of Wnt signaling pathway; plus strand). Cytogenetic location: 5q22.2.
Variant type: single nucleotide variant.
Coding change: c.6114G>A on transcript NM_000038.6 (MANE Select); coding-DNA position 6114, G replaced by A.
Protein change: p.Leu2038=; no amino-acid change (leucine 2038 retained).
Molecular consequence: synonymous variant. On other transcripts: non-coding transcript variant (2).
Genome position (GRCh38, 1-based): chr5:112,841,708, G>A. VCF-style: chr5-112841708-G-A. GRCh37 (hg19) VCF-style: chr5-112177405-G-A.
Other names: c.6114G>A, p.Leu2038= (NM_001127510.3, NM_001354895.2, NM_001407450.1); c.6060G>A, p.Leu2020= (NM_001127511.3); c.6168G>A, p.Leu2056= (NM_001354896.2, NM_001407447.1, NM_001407448.1 and 1 more transcripts); c.6144G>A, p.Leu2048= (NM_001354897.2); c.6039G>A, p.Leu2013= (NM_001354898.2); c.6030G>A, p.Leu2010= (NM_001354899.2); c.5991G>A, p.Leu1997= (NM_001354900.2); c.5937G>A, p.Leu1979= (NM_001354901.2, NM_001407453.1); and 11 more.
Identifiers: ClinVar variation 1751695 (VCV001751695.5), dbSNP rs1580667688, ClinGen allele CA446209038.
Genomic context (GRCh38, chr5:112,841,708, plus strand): 5'-AGTTTGTTTCTCAAGAAACAGTTCTCTCAGTTCTCTTAGTATTGACTCTGAAGATGACCT[G>A]TTGCAGGAATGTATAAGCTCCGCAATGCCAAAAAAGAAAAAGCCTTCAAGACTCAAGGGT-3'
Protein context (NP_000029.2, residues 2028-2048): SSLSIDSEDD[Leu2038=]LQECISSAMP